The following is an entry in ClinVar:

ClinVar aggregate classification (germline): Uncertain significance. Review status: criteria provided, multiple submitters, no conflicts (2 of 4 stars). 2 submissions from 2 submitters: Uncertain significance (2). Last evaluated 2023-12-05.

Conditions:
Hereditary cancer-predisposing syndrome. Also called: Tumor predisposition; Neoplastic Syndromes, Hereditary; Hereditary neoplastic syndrome; Hereditary Cancer Syndrome. Identifiers: Orphanet 140162, MedGen C0027672, MeSH D009386, MONDO:0015356.
Familial cancer of breast. Also called: hereditary breast carcinoma; BREAST CANCER, FAMILIAL; Hereditary breast cancer. Identifiers: Orphanet 227535, MedGen C0346153, MONDO:0016419, OMIM 114480. Disease mechanism: loss of function.

Submissions (2):

Color Diagnostics, LLC DBA Color Health
Classification: Uncertain significance for Hereditary cancer-predisposing syndrome. Last evaluated: 2023-12-05. Review status: criteria provided, single submitter. Criteria: ACMG Guidelines, 2015. Collection method: clinical testing. Allele origin: germline.
Comment: This missense variant replaces serine with threonine at codon 44 of the CHEK2 protein. Computational prediction suggests that this variant may not impact protein structure and function (internally defined REVEL score threshold <= 0.5, PMID: 27666373). To our knowledge, functional studies have not been reported for this variant. This variant has not been reported in individuals affected with CHEK2-related disorders in the literature. This variant has not been identified in the general population by the Genome Aggregation Database (gnomAD). The available evidence is insufficient to determine the role of this variant in disease conclusively. Therefore, this variant is classified as a Variant of Uncertain Significance.

Labcorp Genetics (formerly Invitae), Labcorp
Classification: Uncertain significance for Familial cancer of breast. Last evaluated: 2021-11-19. Review status: criteria provided, single submitter. Criteria: Invitae Variant Classification Sherloc (09022015). Collection method: clinical testing. Allele origin: germline.
Comment: ClinVar contains an entry for this variant (Variation ID: 631296). In summary, the available evidence is currently insufficient to determine the role of this variant in disease. Therefore, it has been classified as a Variant of Uncertain Significance. Algorithms developed to predict the effect of missense changes on protein structure and function (SIFT, PolyPhen-2, Align-GVGD) all suggest that this variant is likely to be tolerated. This variant has not been reported in the literature in individuals affected with CHEK2-related conditions. This variant is not present in population databases (gnomAD no frequency). This sequence change replaces serine, which is neutral and polar, with threonine, which is neutral and polar, at codon 44 of the CHEK2 protein (p.Ser44Thr).

NM_007194.4(CHEK2):c.131G>C (p.Ser44Thr)

Gene: CHEK2 (checkpoint kinase 2; minus strand). Cytogenetic location: 22q12.1.
Variant type: single nucleotide variant.
Coding change: c.131G>C on transcript NM_007194.4 (MANE Select); coding-DNA position 131, G replaced by C.
Protein change: p.Ser44Thr; replaces serine 44 with threonine.
Molecular consequence: missense variant.
Genome position (GRCh38, 1-based): chr22:28,734,591, C>G on the plus strand (G>C on the coding strand, the complement: CHEK2 is on the minus strand). VCF-style: chr22-28734591-C-G. GRCh37 (hg19) VCF-style: chr22-29130579-C-G.
Other names: c.131G>C, p.Ser44Thr (NM_001005735.3, NM_001349956.3, NM_145862.3); c.-647G>C (NM_001257387.3); short protein forms S44T.
Identifiers: ClinVar variation 631296 (VCV000631296.11), dbSNP rs1569171123, ClinGen allele CA411091212.